The following is an entry in ClinVar:

NM_003500.4(ACOX2):c.97G>A (p.Val33Met)

Gene: ACOX2 (acyl-CoA oxidase 2; minus strand). Cytogenetic location: 3p14.3.
Variant type: single nucleotide variant.
Coding change: c.97G>A on transcript NM_003500.4 (MANE Select); coding-DNA position 97, G replaced by A.
Protein change: p.Val33Met; replaces valine 33 with methionine.
Molecular consequence: missense variant.
Genome position (GRCh38, 1-based): chr3:58,535,010, C>T on the plus strand (G>A on the coding strand, the complement: ACOX2 is on the minus strand). VCF-style: chr3-58535010-C-T. GRCh37 (hg19) VCF-style: chr3-58520737-C-T.
Other names: short protein forms V33M.
Identifiers: ClinVar variation 736210 (VCV000736210.11), dbSNP rs143882840, ClinGen allele CA2472542.
Genomic context (GRCh38, chr3:58,535,010, plus strand): 5'-CTTTCCTGCGGAGTGCAGTGTTCTGGGCACCTCCATCAAGGATGTTGGTGAGCCGTTCCA[C>T]GTCAAAGGACTGCATATACCTCTCGCTCTCTATGTCGGGGTGCATTTGCCTGCTCCAGGT-3'
Protein context (NP_003491.1, residues 23-43): ESERYMQSFD[Val33Met]ERLTNILDGG

ClinVar aggregate classification (germline): Likely benign. Review status: criteria provided, multiple submitters, no conflicts (2 of 4 stars). 3 submissions from 3 submitters: Likely benign (2). 1 of the submissions does not count toward it. Last evaluated 2025-06-04.

Conditions:
ACOX2-related disorder. Also called: ACOX2-related condition.

Allele frequency attached by ClinVar (database versions not stated): gnomAD 0.00155 and 0.00173; TOPMed 0.00203; ESP Exome Variant Server 0.00208; gnomAD exomes 0.00045; 1000 Genomes Project 30x 0.00047; 1000 Genomes Project 0.00060; ExAC 0.00060.

Submissions (3):

Labcorp Genetics (formerly Invitae), Labcorp
Classification: Likely benign. Last evaluated: 2025-06-04. Review status: criteria provided, single submitter. Criteria: Invitae Variant Classification Sherloc (09022015). Collection method: clinical testing. Allele origin: germline.

Breakthrough Genomics
Classification: Likely benign. Review status: criteria provided, single submitter. Criteria: ACMG Guidelines, 2015. Collection method: not provided. Allele origin: germline. Inheritance: Autosomal recessive inheritance. Affected: yes.

PreventionGenetics, part of Exact Sciences
Classification: Likely benign for ACOX2-related condition. Last evaluated: 2021-07-19. Review status: no assertion criteria provided. Collection method: clinical testing. Allele origin: germline. Not counted in ClinVar's aggregate classification.
Comment: This variant is classified as likely benign based on ACMG/AMP sequence variant interpretation guidelines (Richards et al. 2015 PMID: 25741868, with internal and published modifications).